The following is an entry in ClinVar:

ClinVar aggregate classification (germline): Conflicting classifications of pathogenicity. Review status: criteria provided, conflicting classifications (1 of 4 stars). 5 submissions from 5 submitters: Uncertain significance (1); Likely benign (3). 1 of the submissions does not count toward it. Last evaluated 2026-01-22.

Conditions:
AIRE-related disorder. Also called: AIRE-related condition.
Polyglandular autoimmune syndrome, type 1 (APS1). Also called: Autoimmune polyendocrine syndrome type 1; Autoimmune polyendocrinopathy syndrome, type I; AUTOIMMUNE POLYENDOCRINE SYNDROME, TYPE I, WITH OR WITHOUT REVERSIBLE METAPHYSEAL DYSPLASIA; APS I; Autoimmune polyendocrinopathy syndrome , type I, with or without reversible metaphyseal dysplasia; HYPOADRENOCORTICISM WITH HYPOPARATHYROIDISM AND SUPERFICIAL MONILIASIS. Identifiers: Orphanet 3453, MedGen C0085859, MONDO:0009411, OMIM 240300.

Allele frequency attached by ClinVar (database versions not stated): gnomAD 0.00007 and 0.00008; gnomAD exomes 0.00008 and 0.00014; ExAC 0.00012; 1000 Genomes Project 30x 0.00016; TOPMed 0.00017; 1000 Genomes Project 0.00020.

Submissions (5):

Labcorp Genetics (formerly Invitae), Labcorp
Classification: Likely benign for Polyglandular autoimmune syndrome, type 1. Last evaluated: 2026-01-22. Review status: criteria provided, single submitter. Criteria: Invitae Variant Classification Sherloc (09022015). Collection method: clinical testing. Allele origin: germline.

CeGaT Center for Human Genetics Tuebingen
Classification: Likely benign. Last evaluated: 2025-11-01. Review status: criteria provided, single submitter. Criteria: CeGaT Center For Human Genetics Tuebingen Variant Classification Criteria Version 2. Collection method: clinical testing. Allele origin: germline. Affected: yes. Observed: 1 variant allele.
Comment: AIRE: BP4, BP7

Blueprint Genetics
Classification: Likely benign. Last evaluated: 2024-11-26. Review status: criteria provided, single submitter. Criteria: ACMG Guidelines, 2015. Collection method: clinical testing. Allele origin: germline.

Eurofins Ntd Llc (ga)
Classification: Uncertain significance. Last evaluated: 2016-04-27. Review status: criteria provided, single submitter. Criteria: EGL Classification Definitions 2015. Collection method: clinical testing. Allele origin: germline. Observed: 1 variant allele, 1 heterozygote.

PreventionGenetics, part of Exact Sciences
Classification: Likely benign for AIRE-related condition. Last evaluated: 2019-03-27. Review status: no assertion criteria provided. Collection method: clinical testing. Allele origin: germline. Not counted in ClinVar's aggregate classification.
Comment: This variant is classified as likely benign based on ACMG/AMP sequence variant interpretation guidelines (Richards et al. 2015 PMID: 25741868, with internal and published modifications).

NM_000383.4(AIRE):c.564C>G (p.Val188=)

Gene: AIRE (autoimmune regulator; plus strand). Cytogenetic location: 21q22.3.
Variant type: single nucleotide variant.
Coding change: c.564C>G on transcript NM_000383.4 (MANE Select); coding-DNA position 564, C replaced by G.
Protein change: p.Val188=; no amino-acid change (valine 188 retained).
Molecular consequence: synonymous variant.
Genome position (GRCh38, 1-based): chr21:44,288,370, C>G. VCF-style: chr21-44288370-C-G. GRCh37 (hg19) VCF-style: chr21-45708253-C-G.
Identifiers: ClinVar variation 287809 (VCV000287809.24), dbSNP rs201650973, ClinGen allele CA10051628.